The following is an entry in ClinVar:

NM_006033.4(LIPG):c.524C>T (p.Ala175Val)

Gene: LIPG (lipase G, endothelial type; plus strand). Cytogenetic location: 18q21.1.
Variant type: single nucleotide variant.
Coding change: c.524C>T on transcript NM_006033.4 (MANE Select); coding-DNA position 524, C replaced by T.
Protein change: p.Ala175Val; replaces alanine 175 with valine.
Molecular consequence: missense variant.
Genome position (GRCh38, 1-based): chr18:49,569,501, C>T. VCF-style: chr18-49569501-C-T. GRCh37 (hg19) VCF-style: chr18-47095871-C-T.
Other names: c.524C>T, p.Ala175Val (NM_001308006.2); short protein forms A175V.
Identifiers: ClinVar variation 3616492 (VCV003616492.2).

ClinVar aggregate classification (germline): Uncertain significance (1 of 4 stars; one submission).

gnomAD v4.1: 25 of 1,614,062 alleles (0.0015%); highest among the groups gnomAD compares: Non-Finnish European, 0.002%; no homozygotes.

Submission:

Labcorp Genetics (formerly Invitae), Labcorp
Classification: Uncertain significance. Last evaluated: 2024-04-06. Review status: criteria provided, single submitter. Criteria: Invitae Variant Classification Sherloc (09022015). Collection method: clinical testing. Allele origin: germline.
Comment: This sequence change replaces alanine, which is neutral and non-polar, with valine, which is neutral and non-polar, at codon 175 of the LIPG protein (p.Ala175Val). This variant is not present in population databases (gnomAD no frequency). This variant has not been reported in the literature in individuals affected with LIPG-related conditions. An algorithm developed to predict the effect of missense changes on protein structure and function (PolyPhen-2) suggests that this variant is likely to be disruptive. In summary, the available evidence is currently insufficient to determine the role of this variant in disease. Therefore, it has been classified as a Variant of Uncertain Significance.